The following is an entry in ClinVar:

ClinVar aggregate classification (germline): Uncertain significance (1 of 4 stars; one submission).

Conditions:
Neuroblastoma, susceptibility to, 3. Also called: ALK-Related Neuroblastic Tumor Susceptibility. Identifiers: Orphanet 635, MedGen C2751681, MONDO:0013083, OMIM 613014.

Submission:

Labcorp Genetics (formerly Invitae), Labcorp
Classification: Uncertain significance for Neuroblastoma, susceptibility to, 3. Last evaluated: 2021-04-29. Review status: criteria provided, single submitter. Criteria: Invitae Variant Classification Sherloc (09022015). Collection method: clinical testing. Allele origin: germline.
Comment: In summary, the available evidence is currently insufficient to determine the role of this variant in disease. Therefore, it has been classified as a Variant of Uncertain Significance. Algorithms developed to predict the effect of missense changes on protein structure and function (SIFT, PolyPhen-2, Align-GVGD) all suggest that this variant is likely to be tolerated, but these predictions have not been confirmed by published functional studies and their clinical significance is uncertain. This variant has not been reported in the literature in individuals with ALK-related conditions. This variant is not present in population databases (ExAC no frequency). This sequence change replaces arginine with serine at codon 84 of the ALK protein (p.Arg84Ser). The arginine residue is weakly conserved and there is a moderate physicochemical difference between arginine and serine.

NM_004304.5(ALK):c.252G>T (p.Arg84Ser)

Gene: ALK (ALK receptor tyrosine kinase; minus strand). Cytogenetic location: 2p23.1.
Variant type: single nucleotide variant.
Coding change: c.252G>T on transcript NM_004304.5 (MANE Select); coding-DNA position 252, G replaced by T.
Protein change: p.Arg84Ser; replaces arginine 84 with serine.
Molecular consequence: missense variant.
Genome position (GRCh38, 1-based): chr2:29,920,408, C>A on the plus strand (G>T on the coding strand, the complement: ALK is on the minus strand). VCF-style: chr2-29920408-C-A. GRCh37 (hg19) VCF-style: chr2-30143274-C-A.
Other names: short protein forms R84S.
Identifiers: ClinVar variation 1462138 (VCV001462138.8), dbSNP rs2148443625, ClinGen allele CA346590396.
Genomic context (GRCh38, chr2:29,920,408, plus strand): 5'-CGGCCCCAGCAACCTGAGCAGCGGGGCGCAGTCCAGAGCTAGCGAGCCGCGGGCCTCGGG[C>A]CTGCCAGCCTTCAGCTCCGAGGAGGATGGTGGCAGCAGTAGGTCCCGGGCGTAGACACGG-3'
Protein context (NP_004295.2, residues 74-94): PPSSSELKAG[Arg84Ser]PEARGSLALD